The following is an entry in ClinVar:

ClinVar aggregate classification (germline): Uncertain significance (1 of 4 stars; one submission).

gnomAD v4.1: 2 of 1,611,714 alleles (0.00012%); no homozygotes.

Submission:

Ambry Genetics
Classification: Uncertain significance. Last evaluated: 2023-12-12. Review status: criteria provided, single submitter. Criteria: Ambry Variant Classification Scheme 2023. Collection method: clinical testing. Allele origin: germline.
Comment: The p.G134R variant (also known as c.400G>A), located in coding exon 3 of the A2ML1 gene, results from a G to A substitution at nucleotide position 400. The glycine at codon 134 is replaced by arginine, an amino acid with dissimilar properties. This amino acid position is conserved. In addition, the in silico prediction for this alteration is inconclusive. Since supporting evidence is limited at this time, the clinical significance of this alteration remains unclear.

NM_144670.6(A2ML1):c.400G>A (p.Gly134Arg)

Genes: A2ML1 (alpha-2-macroglobulin like 1; plus strand), A2ML1-AS1 (A2ML1 antisense RNA 1; minus strand). Cytogenetic location: 12p13.31.
Variant type: single nucleotide variant.
Coding change: c.400G>A on transcript NM_144670.6 (MANE Select); coding-DNA position 400, G replaced by A.
Protein change: p.Gly134Arg; replaces glycine 134 with arginine.
Molecular consequence: missense variant.
Genome position (GRCh38, 1-based): chr12:8,823,873, G>A. VCF-style: chr12-8823873-G-A. GRCh37 (hg19) VCF-style: chr12-8976469-G-A.
Other names: short protein forms G134R.
Identifiers: ClinVar variation 3229211 (VCV003229211.1), dbSNP rs2539174772, ClinGen allele CA383819450.